The following is an entry in ClinVar:

NM_001367624.2(ZNF469):c.1916C>T (p.Thr639Ile)

Gene: ZNF469 (zinc finger protein 469; plus strand). Cytogenetic location: 16q24.2.
Variant type: single nucleotide variant.
Coding change: c.1916C>T on transcript NM_001367624.2 (MANE Select); coding-DNA position 1916, C replaced by T.
Protein change: p.Thr639Ile; replaces threonine 639 with isoleucine.
Molecular consequence: missense variant.
Genome position (GRCh38, 1-based): chr16:88,429,386, C>T. VCF-style: chr16-88429386-C-T. GRCh37 (hg19) VCF-style: chr16-88495794-C-T.
Other names: NM_001127464.1:c.1916C>T; short protein forms T639I.
Identifiers: ClinVar variation 3232761 (VCV003232761.1), dbSNP rs889278501, ClinGen allele CA397069149.
Genomic context (GRCh38, chr16:88,429,386, plus strand): 5'-GCTCAGAGGAAAGCCAGCTCCCCGGCCCCCTCGGGCCCTCGGCCTTCTTCCACCCACCCA[C>T]TCACCCCCAGGAGACGGGCAGCCCCTTCCCGTCCCCGGAGCCCCCCCACTCCCTCCCCAC-3'
Protein context (NP_001354553.1, residues 629-649): LGPSAFFHPP[Thr639Ile]HPQETGSPFP

ClinVar aggregate classification (germline): Uncertain significance (1 of 4 stars; one submission).

Conditions:
Cardiovascular phenotype. Identifiers: MedGen CN230736.

Submission:

Ambry Genetics
Classification: Uncertain significance for Cardiovascular phenotype. Last evaluated: 2024-03-13. Review status: criteria provided, single submitter. Criteria: Ambry Variant Classification Scheme 2023. Collection method: clinical testing. Allele origin: germline.
Comment: The p.T639I variant (also known as c.1916C>T), located in coding exon 1 of the ZNF469 gene, results from a C to T substitution at nucleotide position 1916. The threonine at codon 639 is replaced by isoleucine, an amino acid with similar properties. This amino acid position is conserved. In addition, this alteration is predicted to be tolerated by in silico analysis. Based on the available evidence, the clinical significance of this alteration remains unclear.